The following is an entry in ClinVar:

NM_024675.4(PALB2):c.2428C>T (p.Pro810Ser)

Gene: PALB2 (partner and localizer of BRCA2; minus strand). Cytogenetic location: 16p12.2.
Variant type: single nucleotide variant.
Coding change: c.2428C>T on transcript NM_024675.4 (MANE Select); coding-DNA position 2428, C replaced by T.
Protein change: p.Pro810Ser; replaces proline 810 with serine.
Molecular consequence: missense variant.
Genome position (GRCh38, 1-based): chr16:23,629,726, G>A on the plus strand (C>T on the coding strand, the complement: PALB2 is on the minus strand). VCF-style: chr16-23629726-G-A. GRCh37 (hg19) VCF-style: chr16-23641047-G-A.
Other names: short protein forms P810S.
Identifiers: ClinVar variation 496465 (VCV000496465.3), dbSNP rs759894786, ClinGen allele CA7963576.

ClinVar aggregate classification (germline): Uncertain significance. Review status: criteria provided, multiple submitters, no conflicts (2 of 4 stars). 3 submissions from 3 submitters: Uncertain significance (3). Last evaluated 2025-07-30.

Conditions:
Hereditary cancer-predisposing syndrome. Also called: Tumor predisposition; Neoplastic Syndromes, Hereditary; Hereditary neoplastic syndrome; Hereditary Cancer Syndrome. Identifiers: Orphanet 140162, MedGen C0027672, MeSH D009386, MONDO:0015356.
Familial cancer of breast. Also called: Hereditary breast cancer; hereditary breast carcinoma; BREAST CANCER, FAMILIAL. Identifiers: Orphanet 227535, MedGen C0346153, MONDO:0016419, OMIM 114480. Disease mechanism: loss of function.

Allele frequency attached by ClinVar (database versions not stated): gnomAD exomes below 0.00001 and 0.00001; ExAC 0.00002.
gnomAD v4.1: 4 of 1,614,218 alleles (0.00025%); highest among the groups gnomAD compares: South Asian, 0.0022%; no homozygotes.

Submissions (3):

Labcorp Genetics (formerly Invitae), Labcorp
Classification: Uncertain significance for Familial cancer of breast. Last evaluated: 2025-07-30. Review status: criteria provided, single submitter. Criteria: Invitae Variant Classification Sherloc (09022015). Collection method: clinical testing. Allele origin: germline.
Comment: This sequence change replaces proline, which is neutral and non-polar, with serine, which is neutral and polar, at codon 810 of the PALB2 protein (p.Pro810Ser). This variant is present in population databases (rs759894786, gnomAD 0.003%). This variant has not been reported in the literature in individuals affected with PALB2-related conditions. ClinVar contains an entry for this variant (Variation ID: 496465). Invitae Evidence Modeling of protein sequence and biophysical properties (such as structural, functional, and spatial information, amino acid conservation, physicochemical variation, residue mobility, and thermodynamic stability) indicates that this missense variant is not expected to disrupt PALB2 protein function with a negative predictive value of 80%. In summary, the available evidence is currently insufficient to determine the role of this variant in disease. Therefore, it has been classified as a Variant of Uncertain Significance.

Ambry Genetics
Classification: Uncertain significance for Hereditary cancer-predisposing syndrome. Last evaluated: 2024-10-11. Review status: criteria provided, single submitter. Criteria: Ambry Variant Classification Scheme 2023. Collection method: clinical testing. Allele origin: germline.
Comment: The p.P810S variant (also known as c.2428C>T), located in coding exon 5 of the PALB2 gene, results from a C to T substitution at nucleotide position 2428. The proline at codon 810 is replaced by serine, an amino acid with similar properties. This amino acid position is conserved. In addition, this alteration is predicted to be tolerated by in silico analysis. Based on the available evidence, the clinical significance of this variant remains unclear.

Women's Health and Genetics/Laboratory Corporation of America, LabCorp
Classification: Uncertain significance. Last evaluated: 2016-11-25. Review status: criteria provided, single submitter. Criteria: LabCorp Variant Classification Summary - May 2015. Collection method: clinical testing. Allele origin: germline.
Comment: Variant summary: The PALB2 c.2428C>T (p.Pro810Ser) variant involves the alteration of a non-conserved nucleotide. 3/4 used in silico tools predict a benign outcome for this variant. This variant was found in 2/121396 control chromosomes at a frequency of 0.0000165, which does not exceed the estimated maximal expected allele frequency of a pathogenic PALB2 variant (0.0001563). The variant of interest has not, to our knowledge, been reported in affected individuals via publications and/or reputable databases/clinical diagnostic laboratories; nor evaluated for functional impact by in vivo/vitro studies. Pathogenic variants in this gene cause breast cancer with highly variable age of onset, from 29 years to 98 years. Therefore, it possible the two heterozygotes in ExAC may represent as subclinical cases. Because of the absence of sufficient clinical information and the lack of functional studies, the variant is classified as a variant of uncertain significance (VUS) until additional information becomes available.